The following is an entry in ClinVar:

NM_145239.3(PRRT2):c.922C>G (p.Arg308Gly)

Genes: MVP-DT (MVP divergent transcript; minus strand), PRRT2 (proline rich transmembrane protein 2; plus strand). Cytogenetic location: 16p11.2.
Variant type: single nucleotide variant.
Coding change: c.922C>G on transcript NM_145239.3 (MANE Select); coding-DNA position 922, C replaced by G.
Protein change: p.Arg308Gly; replaces arginine 308 with glycine.
Molecular consequence: missense variant. On other transcripts: 3 prime UTR variant (1).
Genome position (GRCh38, 1-based): chr16:29,814,375, C>G. VCF-style: chr16-29814375-C-G. GRCh37 (hg19) VCF-style: chr16-29825696-C-G.
Other names: c.922C>G, p.Arg308Gly (NM_001256442.2); c.*421C>G (NM_001256443.2); short protein forms R308G.
Identifiers: ClinVar variation 1034471 (VCV001034471.7), dbSNP rs932713001, ClinGen allele CA395480599.

ClinVar aggregate classification (germline): Uncertain significance (1 of 4 stars; one submission).

Conditions:
Episodic kinesigenic dyskinesia (EKD). Also called: Paroxysmal kinesigenic dyskinesia. Identifiers: Orphanet 98809, MedGen C1868682, MONDO:0044202.

gnomAD v4.1: 2 of 1,609,818 alleles (0.00012%); highest among the groups gnomAD compares: African/African-American, 0.0013%; no homozygotes.

Submission:

Labcorp Genetics (formerly Invitae), Labcorp
Classification: Uncertain significance for Episodic kinesigenic dyskinesia. Last evaluated: 2023-10-12. Review status: criteria provided, single submitter. Criteria: Invitae Variant Classification Sherloc (09022015). Collection method: clinical testing. Allele origin: germline.
Comment: This sequence change replaces arginine, which is basic and polar, with glycine, which is neutral and non-polar, at codon 308 of the PRRT2 protein (p.Arg308Gly). This variant is not present in population databases (gnomAD no frequency). This missense change has been observed in individual(s) with paroxysmal kinesigenic dyskinesia (PMID: 35083789). ClinVar contains an entry for this variant (Variation ID: 1034471). Advanced modeling of protein sequence and biophysical properties (such as structural, functional, and spatial information, amino acid conservation, physicochemical variation, residue mobility, and thermodynamic stability) performed at Invitae indicates that this missense variant is expected to disrupt PRRT2 protein function. Algorithms developed to predict the effect of sequence changes on RNA splicing suggest that this variant may disrupt the consensus splice site. In summary, the available evidence is currently insufficient to determine the role of this variant in disease. Therefore, it has been classified as a Variant of Uncertain Significance.

Literature cited by the submitters: PubMed 35083789.